The following is an entry in ClinVar:

ClinVar aggregate classification (germline): Uncertain significance (1 of 4 stars; one submission).

Submission:

Labcorp Genetics (formerly Invitae), Labcorp
Classification: Uncertain significance. Last evaluated: 2025-09-05. Review status: criteria provided, single submitter. Criteria: Invitae Variant Classification Sherloc (09022015). Collection method: clinical testing. Allele origin: germline.
Comment: This sequence change replaces tryptophan, which is neutral and slightly polar, with cysteine, which is neutral and slightly polar, at codon 148 of the NOG protein (p.Trp148Cys). This variant is not present in population databases (gnomAD no frequency). This variant has not been reported in the literature in individuals affected with NOG-related conditions. An algorithm developed to predict the effect of missense changes on protein structure and function (PolyPhen-2) suggests that this variant is likely to be disruptive. In summary, the available evidence is currently insufficient to determine the role of this variant in disease. Therefore, it has been classified as a Variant of Uncertain Significance.

NM_005450.6(NOG):c.444G>T (p.Trp148Cys)

Gene: NOG (noggin; plus strand). Cytogenetic location: 17q22.
Variant type: single nucleotide variant.
Coding change: c.444G>T on transcript NM_005450.6 (MANE Select); coding-DNA position 444, G replaced by T.
Protein change: p.Trp148Cys; replaces tryptophan 148 with cysteine.
Molecular consequence: missense variant.
Genome position (GRCh38, 1-based): chr17:56,594,667, G>T. VCF-style: chr17-56594667-G-T. GRCh37 (hg19) VCF-style: chr17-54672028-G-T.
Other names: short protein forms W148C.
Identifiers: ClinVar variation 4723393 (VCV004723393.1).